The following is an entry in ClinVar:

ClinVar aggregate classification (germline): Conflicting classifications of pathogenicity. Review status: criteria provided, conflicting classifications (1 of 4 stars). 8 submissions from 8 submitters: Pathogenic (4); Likely pathogenic (1); Uncertain significance (1). 2 of the submissions do not count toward it. Last evaluated 2026-04-16.

Conditions:
Autosomal recessive Alport syndrome (ATS2). Also called: COL4A3-Related Nephropathy; COL4A4 Alport Syndrome and Thin Basement Membrane Nephropathy; ALPORT SYNDROME 2, AUTOSOMAL RECESSIVE; Alport syndrome type 2. Identifiers: Orphanet 63, Orphanet 88919, MedGen C4746745, MONDO:0008762, OMIM 203780.
Autosomal dominant Alport syndrome (ATS3A). Also called: Alport syndrome dominant type; Renal failure and sensorineural hearing loss; ALPORT SYNDROME 3A, AUTOSOMAL DOMINANT. Identifiers: Orphanet 63, Orphanet 88918, MedGen C5882663, MONDO:0007086, OMIM 104200.
Alport syndrome. Also called: Hemorrhagic familial nephritis; Hemorrhagic hereditary nephritis; Congenital hereditary hematuria. Identifiers: Orphanet 63, MedGen C1567741, MONDO:0018965.
Hematuria. Identifiers: MedGen C0018965, HP:0000790.

Allele frequency attached by ClinVar (database versions not stated): gnomAD 0.00001; gnomAD exomes 0.00002 and below 0.00001; TOPMed below 0.00001.

Submissions (8):

Genetics Laboratory, Great Ormond Street Hospital NHS Foundation Trust, North Thames Genomic Laboratory Hub
Classification: Pathogenic for Haematuria. Last evaluated: 2026-04-16. Review status: criteria provided, single submitter. Criteria: ACGS Best Practice Guidelines for Variant Classification in Rare Disease 2024 v1.2. Collection method: clinical testing. Allele origin: germline. Affected: yes.
Comment: PS4_moderate, PM2_moderate, PP3_supporting, PM1_strong, PM3_moderate, PP4_moderate

GeneDx
Classification: Pathogenic. Last evaluated: 2025-12-19. Review status: criteria provided, single submitter. Criteria: GeneDx Variant Classification Process June 2021. Collection method: clinical testing. Allele origin: germline. Affected: yes.
Comment: Affects a glycine residue in a Gly-X-Y motif in the triple helical region of the COL4A3 gene, where the majority of pathogenic missense variants occur; Not observed at significant frequency in large population cohorts (gnomAD); In silico analysis supports that this missense variant has a deleterious effect on protein structure/function; This variant is associated with the following publications: (PMID: 38972501, 31589614, 34400539, 24052634)

Natera, Inc.
Classification: Pathogenic for Alport syndrome. Last evaluated: 2025-09-14. Review status: criteria provided, single submitter. Criteria: Natera Variant Classification Schema (03/2026). Collection method: clinical testing. Allele origin: germline.
Comment: The c.3472G>C variant in COL4A3 is a missense variant predicted to cause substitution of glycine to arginine at amino acid 1158. This variant is rare in the general population with a frequency below the threshold expected for the associated phenotype(s). This variant has been observed in one or more individuals affected with the associated recessive disease, as either homozygous or compound heterozygous with a second variant (PMID: 24052634, 28780565, 38972501). This variant is located in a functionally critical region of the protein. Computational prediction algorithms indicate this variant is likely to affect gene or protein function. Given the available evidence, this variant is classified as Pathogenic.

Labcorp Genetics (formerly Invitae), Labcorp
Classification: Likely pathogenic. Last evaluated: 2025-01-08. Review status: criteria provided, single submitter. Criteria: Invitae Variant Classification Sherloc (09022015). Collection method: clinical testing. Allele origin: germline.
Comment: This sequence change replaces glycine, which is neutral and non-polar, with arginine, which is basic and polar, at codon 1158 of the COL4A3 protein (p.Gly1158Arg). This variant is not present in population databases (gnomAD no frequency). This missense change has been observed in individuals with autosomal dominant and recessive COL4A3-related conditions (PMID: 24052634; internal data). ClinVar contains an entry for this variant (Variation ID: 556767). Invitae Evidence Modeling of protein sequence and biophysical properties (such as structural, functional, and spatial information, amino acid conservation, physicochemical variation, residue mobility, and thermodynamic stability) indicates that this missense variant is expected to disrupt COL4A3 protein function with a positive predictive value of 80%. In summary, the currently available evidence indicates that the variant is pathogenic, but additional data are needed to prove that conclusively. Therefore, this variant has been classified as Likely Pathogenic.

Victorian Clinical Genetics Services, Murdoch Childrens Research Institute
Classification: Pathogenic for Alport syndrome. Last evaluated: 2020-10-19. Review status: criteria provided, single submitter. Criteria: ACMG Guidelines, 2015. Collection method: clinical testing. Allele origin: germline. Affected: yes.
Comment: Based on the classification scheme VCGS_Germline_v1.1.1, this variant is classified as Pathogenic. Following criteria are met: 0102 - Loss-of-function is a known mechanism of disease for this gene. (N) 0104 - Dominant Negative is a mechanism of disease for this gene. (N) 0108 - This gene is known to be associated with both recessive and dominant disease (OMIM). (N) 0200 - Variant is predicted to result in a missense amino acid change from glycine to arginine (exon 40). (N) 0251 - Variant is heterozygous. (N) 0302 - Variant is present in gnomAD <0.001 for a dominant condition (1 heterozygote, 0 homozygotes). (P) 0501 - Missense variant consistently predicted to be damaging by multiple in-silico tools or highly conserved with a major amino acid change. (P) 0601 - Variant affects at least one well-established (essential) functional domain or motif (collagen triple helix repeat; PDB). (P) 0705 - No comparable variants have previous evidence for pathogenicity. (N) 0802 - Moderate previous evidence of pathogenicity in unrelated individuals. The variant has been previously reported as pathogenic in patients with autosomal recessive Alport syndrome (ClinVar, PMID: 24052634, 28780565) (P) 0905 - No segregation evidence has been identified for this variant. (N) 1007 - No published functional evidence has been identified for this variant. (N) 1208 - Inheritance information for this variant is not currently available. (N) Legend: (P) - Pathogenic, (N) - Neutral, (B) - Benign

Johns Hopkins Genomics, Johns Hopkins University
Classification: Uncertain significance for Autosomal dominant Alport syndrome. Last evaluated: 2020-05-19. Review status: criteria provided, single submitter. Criteria: ACMG Guidelines, 2015. Collection method: clinical testing. Allele origin: germline.
Comment: This COL4A3 variant has been reported in multiple individuals with clinically suspected autosomal recessive Alport syndrome and a second variant in this gene. COL4A3 c.3472G>C (rs914878176) is rare (<0.1%) in a large population dataset (gnomAD: 1/249490 total alleles; 0.0004%; no homozygotes), and has been reported in ClinVar. Three bioinformatic tools queried predict that this substitution would be damaging, and the glycine residue at this position is highly evolutionarily conserved across all species assessed. Due to insufficient evidence that this variant is deleterious, we consider the clinical significance of c.3472G>C to be uncertain at this time

Counsyl
Classification: Likely pathogenic for Autosomal recessive Alport syndrome. Last evaluated: 2018-02-23. Review status: no assertion criteria provided. Collection method: clinical testing. Allele origin: unknown. Not counted in ClinVar's aggregate classification.

Sydney Genome Diagnostics, Children's Hospital Westmead
Classification: Likely pathogenic for Alport syndrome. Last evaluated: 2017-10-04. Review status: no assertion criteria provided. Collection method: clinical testing. Allele origin: unknown. Affected: yes. Observed: 1 variant allele, 1 compound heterozygote. Not counted in ClinVar's aggregate classification.
Comment: This variant results in substitution of one of the invariant glycine residues, p.(Gly1158Arg), within the triple helical domain of the alpha 3 chain of type IV collagen. This variant has been previously described in individuals with autosomal recessive Alport syndrome by Storey et al J Am Soc Nephrol 2013 24: 1945-1954. This variant is considered to be likely pathogenic according to the ACMG guidelines.

Literature cited by the submitters: PubMed 24052634 (cited by 5 submitters); PubMed 28780565 (cited by Natera, Inc. and Victorian Clinical Genetics Services, Murdoch Childrens Research Institute); PubMed 38972501 (cited by Natera, Inc.).

NM_000091.5(COL4A3):c.3472G>C (p.Gly1158Arg)

Genes: COL4A3 (collagen type IV alpha 3 chain; plus strand), MFF-DT (MFF divergent transcript; minus strand). Cytogenetic location: 2q36.3.
Variant type: single nucleotide variant.
Coding change: c.3472G>C on transcript NM_000091.5 (MANE Select); coding-DNA position 3472, G replaced by C.
Protein change: p.Gly1158Arg; replaces glycine 1158 with arginine.
Molecular consequence: missense variant.
Genome position (GRCh38, 1-based): chr2:227,295,017, G>C. VCF-style: chr2-227295017-G-C. GRCh37 (hg19) VCF-style: chr2-228159733-G-C.
Other names: short protein forms G1158R.
Identifiers: ClinVar variation 556767 (VCV000556767.20), dbSNP rs914878176, ClinGen allele CA66609052.